The following is an entry in ClinVar:

ClinVar aggregate classification (germline): Uncertain significance (1 of 4 stars; one submission).

gnomAD v4.1: 2 of 1,610,154 alleles (0.00012%); highest among the groups gnomAD compares: Non-Finnish European, 0.00017%; no homozygotes.

Submission:

GeneDx
Classification: Uncertain significance. Last evaluated: 2025-08-06. Review status: criteria provided, single submitter. Criteria: GeneDx Variant Classification Process June 2021. Collection method: clinical testing. Allele origin: germline. Affected: yes.
Comment: Not observed at significant frequency in large population cohorts (gnomAD); In silico analysis supports that this missense variant has a deleterious effect on protein structure/function; Has not been previously published as pathogenic or benign to our knowledge

NM_001104631.2(PDE4D):c.1873A>G (p.Thr625Ala)

Gene: PDE4D (phosphodiesterase 4D; minus strand). Cytogenetic location: 5q11.2.
Variant type: single nucleotide variant.
Coding change: c.1873A>G on transcript NM_001104631.2 (MANE Select); coding-DNA position 1873, A replaced by G.
Protein change: p.Thr625Ala; replaces threonine 625 with alanine.
Molecular consequence: missense variant.
Genome position (GRCh38, 1-based): chr5:58,975,797, T>C on the plus strand (A>G on the coding strand, the complement: PDE4D is on the minus strand). VCF-style: chr5-58975797-T-C. GRCh37 (hg19) VCF-style: chr5-58271624-T-C.
Other names: c.1690A>G, p.Thr564Ala (NM_001165899.2, NM_001364599.1); c.1681A>G, p.Thr561Ala (NM_001197218.2); c.1507A>G, p.Thr503Ala (NM_001197219.2); c.1483A>G, p.Thr495Ala (NM_001197220.2); c.967A>G, p.Thr323Ala (NM_001197221.2, NM_001364603.1); c.1201A>G, p.Thr401Ala (NM_001197222.2); c.1000A>G, p.Thr334Ala (NM_001197223.2); c.1660A>G, p.Thr554Ala (NM_001349241.2); and 3 more; short protein forms T323A, T334A, T369A, T401A, T489A, T495A, T503A, T515A.
Identifiers: ClinVar variation 4755589 (VCV004755589.1).